The following is an entry in ClinVar:

ClinVar aggregate classification (germline): Pathogenic (1 of 4 stars; one submission).

Submission:

Labcorp Genetics (formerly Invitae), Labcorp
Classification: Pathogenic. Last evaluated: 2024-07-30. Review status: criteria provided, single submitter. Criteria: Invitae Variant Classification Sherloc (09022015). Collection method: clinical testing. Allele origin: germline.
Comment: This sequence change creates a premature translational stop signal (p.Ala2331Profs*3) in the HSPG2 gene. It is expected to result in an absent or disrupted protein product. Loss-of-function variants in HSPG2 are known to be pathogenic (PMID: 11279527, 16927315, 20542149, 23836246). This variant is not present in population databases (gnomAD no frequency). This variant has not been reported in the literature in individuals affected with HSPG2-related conditions. For these reasons, this variant has been classified as Pathogenic.

Literature cited by the submitters: PubMed 11279527; PubMed 16927315; PubMed 20542149; PubMed 23836246.

NM_005529.7(HSPG2):c.6991del (p.Ala2331fs)

Gene: HSPG2 (heparan sulfate proteoglycan 2; minus strand). Cytogenetic location: 1p36.12.
Variant type: Deletion.
Coding change: c.6991del on transcript NM_005529.7 (MANE Select); coding-DNA position 6991, one base deleted (G; older notation c.6991delG).
Protein change: p.Ala2331fs; shifts the reading frame from alanine 2331.
Molecular consequence: frameshift variant.
Genome position (GRCh38, 1-based): chr1:21,851,806, C deleted on the plus strand (G on the coding strand, the reverse complement: HSPG2 is on the minus strand); the first of 5 consecutive C bases (chr1:21,851,806-21,851,810); deleting any one gives the same sequence. VCF-style (leftmost placement, unchanged base first): chr1-21851805-GC-G. GRCh37 (hg19) VCF-style: chr1-22178298-GC-G.
Other names: c.6994del, p.Ala2332fs (NM_001291860.2); short protein forms A2331fs, A2332fs.
Identifiers: ClinVar variation 3711116 (VCV003711116.2).